The following is an entry in ClinVar:

ClinVar aggregate classification (germline): Uncertain significance (1 of 4 stars; one submission).

Conditions:
Familial thoracic aortic aneurysm and aortic dissection (TAAD). Also called: Thoracic aortic aneurysms and dissections. Identifiers: Orphanet 91387, MedGen C4707243, MONDO:0019625.

Submission:

Color Diagnostics, LLC DBA Color Health
Classification: Uncertain significance for Familial thoracic aortic aneurysm and aortic dissection. Last evaluated: 2024-03-06. Review status: criteria provided, single submitter. Criteria: ACMG Guidelines, 2015. Collection method: clinical testing. Allele origin: germline.
Comment: This missense variant replaces leucine with arginine at codon 599 of the MYH11 protein. Computational prediction suggests that this variant may have deleterious impact on protein structure and function (internally defined REVEL score threshold >= 0.7, PMID: 27666373). To our knowledge, functional studies have not been reported for this variant. This variant has not been reported in individuals affected with cardiovascular disorders in the literature. This variant has not been identified in the general population by the Genome Aggregation Database (gnomAD). The available evidence is insufficient to determine the role of this variant in disease conclusively. Therefore, this variant is classified as a Variant of Uncertain Significance.

NM_002474.3(MYH11):c.1775T>G (p.Leu592Arg)

Gene: MYH11 (myosin heavy chain 11; minus strand). Cytogenetic location: 16p13.11.
Variant type: single nucleotide variant.
Coding change: c.1775T>G on transcript NM_002474.3 (MANE Select); coding-DNA position 1775, T replaced by G.
Protein change: p.Leu592Arg; replaces leucine 592 with arginine.
Molecular consequence: missense variant.
Genome position (GRCh38, 1-based): chr16:15,753,483, A>C on the plus strand (T>G on the coding strand, the complement: MYH11 is on the minus strand). VCF-style: chr16-15753483-A-C. GRCh37 (hg19) VCF-style: chr16-15847340-A-C.
Other names: c.1796T>G, p.Leu599Arg (NM_001040113.2, NM_001040114.2); c.1775T>G, p.Leu592Arg (NM_022844.3); short protein forms L599R, L592R.
Identifiers: ClinVar variation 1172318 (VCV001172318.3), dbSNP rs2151269020, ClinGen allele CA394869683.